The following is an entry in ClinVar:

NM_004958.4(MTOR):c.5434G>C (p.Asp1812His)

Gene: MTOR (mechanistic target of rapamycin kinase; minus strand). Cytogenetic location: 1p36.22.
Variant type: single nucleotide variant.
Coding change: c.5434G>C on transcript NM_004958.4 (MANE Select); coding-DNA position 5434, G replaced by C.
Protein change: p.Asp1812His; replaces aspartic acid 1812 with histidine.
Molecular consequence: missense variant.
Genome position (GRCh38, 1-based): chr1:11,130,708, C>G on the plus strand (G>C on the coding strand, the complement: MTOR is on the minus strand). VCF-style: chr1-11130708-C-G. GRCh37 (hg19) VCF-style: chr1-11190765-C-G.
Other names: c.5434G>C, p.Asp1812His (NM_001386500.1); c.4186G>C, p.Asp1396His (NM_001386501.1); short protein forms D1812H, D1396H.
Identifiers: ClinVar variation 2810363 (VCV002810363.3), dbSNP rs752914901, ClinGen allele CA338398671.

ClinVar aggregate classification (germline): Uncertain significance (1 of 4 stars; one submission).

Submission:

Labcorp Genetics (formerly Invitae), Labcorp
Classification: Uncertain significance. Last evaluated: 2023-03-14. Review status: criteria provided, single submitter. Criteria: Invitae Variant Classification Sherloc (09022015). Collection method: clinical testing. Allele origin: germline.
Comment: In summary, the available evidence is currently insufficient to determine the role of this variant in disease. Therefore, it has been classified as a Variant of Uncertain Significance. Advanced modeling of protein sequence and biophysical properties (such as structural, functional, and spatial information, amino acid conservation, physicochemical variation, residue mobility, and thermodynamic stability) performed at Invitae indicates that this missense variant is not expected to disrupt MTOR protein function. This variant has not been reported in the literature in individuals affected with MTOR-related conditions. This variant is not present in population databases (gnomAD no frequency). This sequence change replaces aspartic acid, which is acidic and polar, with histidine, which is basic and polar, at codon 1812 of the MTOR protein (p.Asp1812His).